The following is an entry in ClinVar:

NM_015040.4(PIKFYVE):c.2881A>G (p.Thr961Ala)

Gene: PIKFYVE (phosphoinositide kinase, FYVE-type zinc finger containing; plus strand). Cytogenetic location: 2q34.
Variant type: single nucleotide variant.
Coding change: c.2881A>G on transcript NM_015040.4 (MANE Select); coding-DNA position 2881, A replaced by G.
Protein change: p.Thr961Ala; replaces threonine 961 with alanine.
Molecular consequence: missense variant.
Genome position (GRCh38, 1-based): chr2:208,325,692, A>G. VCF-style: chr2-208325692-A-G. GRCh37 (hg19) VCF-style: chr2-209190416-A-G.
Other names: short protein forms T961A.
Identifiers: ClinVar variation 897322 (VCV000897322.4), dbSNP rs139991374, ClinGen allele CA2079944.

ClinVar aggregate classification (germline): Benign (1 of 4 stars; one submission).

Conditions:
Fleck corneal dystrophy (CFD). Also called: CORNEAL DYSTROPHY, FRANCOIS-NEETENS SPECKLED OR FLECKED. Identifiers: Orphanet 98970, MedGen C1562113, MONDO:0007376, OMIM 121850.

Allele frequency attached by ClinVar (database versions not stated): ExAC 0.00023; gnomAD exomes 0.00027 and 0.00064; 1000 Genomes Project 30x 0.00031; gnomAD 0.00031 and 0.00033; TOPMed 0.00039; 1000 Genomes Project 0.00040; ESP Exome Variant Server 0.00077.
gnomAD v4.1: 981 of 1,613,958 alleles (0.061%); highest among the groups gnomAD compares: Non-Finnish European, 0.078%; 1 homozygote.

Submission:

Illumina Laboratory Services, Illumina
Classification: Benign for Fleck corneal dystrophy. Last evaluated: 2018-01-12. Review status: criteria provided, single submitter. Criteria: ICSL Variant Classification Criteria 13 December 2019. Collection method: clinical testing. Allele origin: germline.
Comment: This variant was observed in the ICSL laboratory as part of a predisposition screen in an ostensibly healthy population. It had not been previously curated by ICSL or reported in the Human Gene Mutation Database (HGMD: prior to June 1st, 2018), and was therefore a candidate for classification through an automated scoring system. Utilizing variant allele frequency, disease prevalence and penetrance estimates, and inheritance mode, an automated score was calculated to assess if this variant is too frequent to cause the disease. Based on the score and internal cut-off values, a variant classified as benign is not then subjected to further curation. The score for this variant resulted in a classification of benign for this disease.